The following is an entry in ClinVar:

NM_003482.4(KMT2D):c.2223G>A (p.Pro741=)

Gene: KMT2D (lysine methyltransferase 2D; minus strand). Cytogenetic location: 12q13.12.
Variant type: single nucleotide variant.
Coding change: c.2223G>A on transcript NM_003482.4 (MANE Select); coding-DNA position 2223, G replaced by A.
Protein change: p.Pro741=; no amino-acid change (proline 741 retained).
Molecular consequence: synonymous variant.
Genome position (GRCh38, 1-based): chr12:49,051,460, C>T on the plus strand (G>A on the coding strand, the complement: KMT2D is on the minus strand). VCF-style: chr12-49051460-C-T. GRCh37 (hg19) VCF-style: chr12-49445243-C-T.
Identifiers: ClinVar variation 2147466 (VCV002147466.29), dbSNP rs374923646, ClinGen allele CA6548312.
Genomic context (GRCh38, chr12:49,051,460, plus strand): 5'-TAGGTGTGGCTCCTCAGGCCGGGGGGACAGGTGCGGCTCCTCAGGCCGGGGTGACAGGTG[C>T]GGCCCCTCGGACCGGGGGCAGAGTTGCGGCTCCTCAGGTAGTGGCAACAGGGGTGACTCC-3'
Protein context (NP_003473.3, residues 731-751): EPQLCPRSEG[Pro741=]HLSPRPEEPH

ClinVar aggregate classification (germline): Likely benign. Review status: criteria provided, multiple submitters, no conflicts (2 of 4 stars). 3 submissions from 3 submitters: Likely benign (2). 1 of the submissions does not count toward it. Last evaluated 2025-06-27.

Conditions:
KMT2D-related disorder. Also called: KMT2D-Related Disorders.
Kabuki syndrome. Also called: NIIKAWA-KUROKI SYNDROME; Kabuki make-up syndrome. Identifiers: Orphanet 2322, MedGen C0796004, MONDO:0016512.

Allele frequency attached by ClinVar (database versions not stated): ExAC 0.00003; ESP Exome Variant Server 0.00034.
gnomAD v4.1: 36 of 1,612,678 alleles (0.0022%); highest among the groups gnomAD compares: African/African-American, 0.025%; no homozygotes.

Submissions (3):

Labcorp Genetics (formerly Invitae), Labcorp
Classification: Likely benign for Kabuki syndrome. Last evaluated: 2025-06-27. Review status: criteria provided, single submitter. Criteria: Invitae Variant Classification Sherloc (09022015). Collection method: clinical testing. Allele origin: germline.

CeGaT Center for Human Genetics Tuebingen
Classification: Likely benign. Last evaluated: 2023-04-01. Review status: criteria provided, single submitter. Criteria: CeGaT Center For Human Genetics Tuebingen Variant Classification Criteria Version 2. Collection method: clinical testing. Allele origin: germline. Affected: yes. Observed: 1 variant allele.
Comment: KMT2D: BP4, BP7

PreventionGenetics, part of Exact Sciences
Classification: Likely benign for KMT2D-related condition. Last evaluated: 2021-10-04. Review status: no assertion criteria provided. Collection method: clinical testing. Allele origin: germline. Not counted in ClinVar's aggregate classification.
Comment: This variant is classified as likely benign based on ACMG/AMP sequence variant interpretation guidelines (Richards et al. 2015 PMID: 25741868, with internal and published modifications).